The following is an entry in ClinVar:

NM_001037.5(SCN1B):c.448+124G>A

Gene: SCN1B (sodium voltage-gated channel beta subunit 1; plus strand). Cytogenetic location: 19q13.11.
Variant type: single nucleotide variant.
Coding change: c.448+124G>A on transcript NM_001037.5 (MANE Select); 124 bases into the intron after coding-DNA position 448, G replaced by A.
Molecular consequence: intron variant. On other transcripts: missense variant (1).
Genome position (GRCh38, 1-based): chr19:35,033,863, G>A. VCF-style: chr19-35033863-G-A. GRCh37 (hg19) VCF-style: chr19-35524767-G-A.
Other names: c.572G>A, p.Arg191Gln (NM_199037.5); c.349+124G>A (NM_001321605.2); short protein forms R191Q.
Identifiers: ClinVar variation 975994 (VCV000975994.8), dbSNP rs367608185, ClinGen allele CA9372037.

ClinVar aggregate classification (germline): Uncertain significance. Review status: criteria provided, multiple submitters, no conflicts (2 of 4 stars). 2 submissions from 2 submitters: Uncertain significance (2). Last evaluated 2023-10-28.

Conditions:
Generalized epilepsy with febrile seizures plus, type 1 (GEFSP1). Also called: GEFS+, TYPE 1. Identifiers: Orphanet 36387, MedGen C1858672, MONDO:0011416, OMIM 604233.
Brugada syndrome 5 (BRGDA5). Identifiers: Orphanet 130, Orphanet 871, MedGen C2748541, MONDO:0013015, OMIM 612838.

Allele frequency attached by ClinVar (database versions not stated): gnomAD exomes below 0.00001 and 0.00001; TOPMed below 0.00001; ExAC 0.00001; gnomAD 0.00001; ESP Exome Variant Server 0.00014.
gnomAD v4.1: 6 of 1,608,970 alleles (0.00037%); highest among the groups gnomAD compares: Admixed American, 0.0017%; no homozygotes.

Submissions (2):

Labcorp Genetics (formerly Invitae), Labcorp
Classification: Uncertain significance for Brugada syndrome 5. Last evaluated: 2023-10-28. Review status: criteria provided, single submitter. Criteria: Invitae Variant Classification Sherloc (09022015). Collection method: clinical testing. Allele origin: germline.
Comment: This sequence change replaces arginine, which is basic and polar, with glutamine, which is neutral and polar, at codon 191 of the SCN1B protein (p.Arg191Gln). This variant is present in population databases (rs367608185, gnomAD 0.003%). This variant has not been reported in the literature in individuals affected with SCN1B-related conditions. ClinVar contains an entry for this variant (Variation ID: 975994). Algorithms developed to predict the effect of missense changes on protein structure and function output the following: SIFT: "Not Available"; PolyPhen-2: "Benign"; Align-GVGD: "Not Available". The glutamine amino acid residue is found in multiple mammalian species, which suggests that this missense change does not adversely affect protein function. In summary, the available evidence is currently insufficient to determine the role of this variant in disease. Therefore, it has been classified as a Variant of Uncertain Significance.

Institute of Human Genetics, University of Leipzig Medical Center
Classification: Uncertain significance for Generalized epilepsy with febrile seizures plus, type 1. Last evaluated: 2019-06-18. Review status: criteria provided, single submitter. Criteria: ACMG Guidelines, 2015. Collection method: clinical testing. Allele origin: germline. Affected: yes. Observed: 1 variant allele.